The following is an entry in ClinVar:

ClinVar aggregate classification (germline): Likely benign (1 of 4 stars; one submission).

Allele frequency attached by ClinVar (database versions not stated): ExAC 0.00004; 1000 Genomes Project 30x 0.00297; gnomAD 0.00634.
gnomAD v4.1: 6,391 of 1,598,696 alleles (0.4%); highest among the groups gnomAD compares: Non-Finnish European, 0.36%; 86 homozygotes.

Submission:

CeGaT Center for Human Genetics Tuebingen
Classification: Likely benign. Last evaluated: 2023-02-01. Review status: criteria provided, single submitter. Criteria: CeGaT Center For Human Genetics Tuebingen Variant Classification Criteria Version 2. Collection method: clinical testing. Allele origin: germline. Affected: yes. Observed: 4 variant alleles.
Comment: ZNF585B: BP4, BP7, BS2

NM_152279.4(ZNF585B):c.2286T>C (p.Ser762=)

Gene: ZNF585B (zinc finger protein 585B; minus strand). Cytogenetic location: 19q13.12.
Variant type: single nucleotide variant.
Coding change: c.2286T>C on transcript NM_152279.4 (MANE Select); coding-DNA position 2286, T replaced by C.
Protein change: p.Ser762=; no amino-acid change (serine 762 retained).
Molecular consequence: synonymous variant.
Genome position (GRCh38, 1-based): chr19:37,185,251, A>G on the plus strand (T>C on the coding strand, the complement: ZNF585B is on the minus strand). VCF-style: chr19-37185251-A-G. GRCh37 (hg19) VCF-style: chr19-37676153-A-G.
Identifiers: ClinVar variation 2649769 (VCV002649769.24), dbSNP rs199915911, ClinGen allele CA9403299.
Genomic context (GRCh38, chr19:37,185,251, plus strand): 5'-CCCAACCCTCAGGGGGGTTTTCTCACACTGTTTCTCTCAAGCGTGGCTGCTCTGATGAAC[A>G]CTGAACACTGATTTCTGAACGAAGCCTTTCCCACAGATGCCACACTTGTAGGGTTTGTCT-3'
Protein context (NP_689492.3, residues 752-769): GKGFVQKSVF[Ser762=]VHQSSHA